The following is an entry in ClinVar:

ClinVar aggregate classification (germline): Pathogenic (1 of 4 stars; one submission).

Submission:

Labcorp Genetics (formerly Invitae), Labcorp
Classification: Pathogenic. Last evaluated: 2025-03-03. Review status: criteria provided, single submitter. Criteria: Invitae Variant Classification Sherloc (09022015). Collection method: clinical testing. Allele origin: germline.
Comment: This sequence change creates a premature translational stop signal (p.Arg1018Glyfs*18) in the CACNA1B gene. It is expected to result in an absent or disrupted protein product. Loss-of-function variants in CACNA1B are known to be pathogenic (PMID: 30982612). This variant is present in population databases (no rsID available, gnomAD 0.002%). This variant has not been reported in the literature in individuals affected with CACNA1B-related conditions. ClinVar contains an entry for this variant (Variation ID: 2072840). For these reasons, this variant has been classified as Pathogenic.

Literature cited by the submitters: PubMed 30982612.

NM_000718.4(CACNA1B):c.3052del (p.Arg1018fs)

Gene: CACNA1B (calcium voltage-gated channel subunit alpha1 B; plus strand). Cytogenetic location: 9q34.3.
Variant type: Deletion.
Coding change: c.3052del on transcript NM_000718.4 (MANE Select); coding-DNA position 3052, one base deleted (C; older notation c.3052delC).
Protein change: p.Arg1018fs; shifts the reading frame from arginine 1018.
Molecular consequence: frameshift variant.
Genome position (GRCh38, 1-based): chr9:138,023,795, C deleted; the last of 2 consecutive C bases (chr9:138,023,794-138,023,795); deleting either gives the same sequence. VCF-style (leftmost placement, unchanged base first): chr9-138023793-TC-T. GRCh37 (hg19) VCF-style: chr9-140918245-TC-T.
Other names: c.3052del, p.Arg1018fs (NM_001243812.2); short protein forms R1018fs.
Identifiers: ClinVar variation 2072840 (VCV002072840.4), dbSNP rs1208927738, ClinGen allele CA591376260.
Genomic context (GRCh38, chr9:138,023,793, plus strand): 5'-CGGAGAAGGAGGCCACGGAGAAGGAGGCTGAGATAGTGGAAGCCGACAAGGAAAAGGAGC[TC>T]CGGAACCACCAGCCCCGGTGAGTCCGCGGCTGGGCGGGGTCAGGGAGGGAAGGGTTGGCC-3'